The following is an entry in ClinVar:

ClinVar aggregate classification (germline): Likely benign (1 of 4 stars; one submission).

Allele frequency attached by ClinVar (database versions not stated): gnomAD exomes below 0.00001.

Submission:

CeGaT Center for Human Genetics Tuebingen
Classification: Likely benign. Last evaluated: 2022-10-01. Review status: criteria provided, single submitter. Criteria: CeGaT Center For Human Genetics Tuebingen Variant Classification Criteria Version 2. Collection method: clinical testing. Allele origin: germline. Affected: yes. Observed: 1 variant allele.
Comment: AP4M1: BP4, BP7

NM_004722.4(AP4M1):c.657C>T (p.Phe219=)

Gene: AP4M1 (adaptor related protein complex 4 subunit mu 1; plus strand). Cytogenetic location: 7q22.1.
Variant type: single nucleotide variant.
Coding change: c.657C>T on transcript NM_004722.4 (MANE Select); coding-DNA position 657, C replaced by T.
Protein change: p.Phe219=; no amino-acid change (phenylalanine 219 retained).
Molecular consequence: synonymous variant.
Genome position (GRCh38, 1-based): chr7:100,104,924, C>T. VCF-style: chr7-100104924-C-T. GRCh37 (hg19) VCF-style: chr7-99702547-C-T.
Other names: c.678C>T, p.Phe226= (NM_001363671.2).
Identifiers: ClinVar variation 2657731 (VCV002657731.24), dbSNP rs959693079, ClinGen allele CA163216358.